The following is an entry in ClinVar:

ClinVar aggregate classification (germline): Uncertain significance (1 of 4 stars; one submission).

Conditions:
Specific granule deficiency. Identifiers: Orphanet 169142, MedGen C0398593, MONDO:0009506.

Allele frequency attached by ClinVar (database versions not stated): TOPMed below 0.00001; ExAC 0.00001; gnomAD 0.00001; gnomAD exomes 0.00002 and 0.00003.

Submission:

Labcorp Genetics (formerly Invitae), Labcorp
Classification: Uncertain significance for Specific granule deficiency. Last evaluated: 2025-07-30. Review status: criteria provided, single submitter. Criteria: Invitae Variant Classification Sherloc (09022015). Collection method: clinical testing. Allele origin: germline.
Comment: This sequence change replaces glycine, which is neutral and non-polar, with arginine, which is basic and polar, at codon 22 of the CEBPE protein (p.Gly22Arg). This variant is present in population databases (rs766209986, gnomAD 0.009%). This variant has not been reported in the literature in individuals affected with CEBPE-related conditions. ClinVar contains an entry for this variant (Variation ID: 640442). An algorithm developed to predict the effect of missense changes on protein structure and function (PolyPhen-2) suggests that this variant is likely to be disruptive. In summary, the available evidence is currently insufficient to determine the role of this variant in disease. Therefore, it has been classified as a Variant of Uncertain Significance.

NM_001805.4(CEBPE):c.64G>A (p.Gly22Arg)

Gene: CEBPE (CCAAT enhancer binding protein epsilon; minus strand). Cytogenetic location: 14q11.2.
Variant type: single nucleotide variant.
Coding change: c.64G>A on transcript NM_001805.4 (MANE Select); coding-DNA position 64, G replaced by A.
Protein change: p.Gly22Arg; replaces glycine 22 with arginine.
Molecular consequence: missense variant.
Genome position (GRCh38, 1-based): chr14:23,119,028, C>T on the plus strand (G>A on the coding strand, the complement: CEBPE is on the minus strand). VCF-style: chr14-23119028-C-T. GRCh37 (hg19) VCF-style: chr14-23588237-C-T.
Other names: short protein forms G22R.
Identifiers: ClinVar variation 640442 (VCV000640442.8), dbSNP rs766209986, ClinGen allele CA7111306.
Genomic context (GRCh38, chr14:23,119,028, plus strand): 5'-GGTCAATGGAGGCCTCATGCTCACACATGTCCCCTAGCTCCCCGGGCCCAGCTCGGCCCC[C>T]TGAGAACTCGAGTGGCTGCTGGCCACCCCGGGGCTCACACTCGTAGTAGGTCCCGTGGGA-3'
Protein context (NP_001796.2, residues 12-32): RGGQQPLEFS[Gly22Arg]GRAGPGELGD